The following is an entry in ClinVar:

NM_001267550.2(TTN):c.22643G>T (p.Trp7548Leu)

Gene: TTN (titin; minus strand). Cytogenetic location: 2q31.2.
Variant type: single nucleotide variant.
Coding change: c.22643G>T on transcript NM_001267550.2 (MANE Select); coding-DNA position 22643, G replaced by T.
Protein change: p.Trp7548Leu; replaces tryptophan 7548 with leucine.
Molecular consequence: missense variant. On other transcripts: intron variant (3).
Genome position (GRCh38, 1-based): chr2:178,722,020, C>A on the plus strand (G>T on the coding strand, the complement: TTN is on the minus strand). VCF-style: chr2-178722020-C-A. GRCh37 (hg19) VCF-style: chr2-179586747-C-A.
Other names: c.21692G>T, p.Trp7231Leu (NM_001256850.1); c.18911G>T, p.Trp6304Leu (NM_133378.4); c.13282+16062G>T (NM_003319.4); c.13858+16062G>T (NM_133437.4); c.13657+16062G>T (NM_133432.3); short protein forms W6304L, W7231L, W7548L.
Identifiers: ClinVar variation 3389347 (VCV003389347.14).

ClinVar aggregate classification (germline): Uncertain significance (1 of 4 stars; one submission).

gnomAD v4.1: 1 of 1,613,316 alleles (0.000062%); highest among the groups gnomAD compares: Non-Finnish European, 0.000085%; no homozygotes.

Submission:

CeGaT Center for Human Genetics Tuebingen
Classification: Uncertain significance. Last evaluated: 2024-10-01. Review status: criteria provided, single submitter. Criteria: CeGaT Center For Human Genetics Tuebingen Variant Classification Criteria Version 2. Collection method: clinical testing. Allele origin: germline. Affected: yes. Observed: 1 variant allele.
Comment: TTN: PM2, PP3